The following is an entry in ClinVar:

ClinVar aggregate classification (germline): Uncertain significance. Review status: criteria provided, multiple submitters, no conflicts (2 of 4 stars). 2 submissions from 2 submitters: Uncertain significance (2). Last evaluated 2023-04-16.

Conditions:
Cardiovascular phenotype. Identifiers: MedGen CN230736.
Long QT syndrome (LQTS). Identifiers: MedGen C0023976, MeSH D008133, MONDO:0002442. Disease mechanism: loss of function. Inheritance: Various modes of inheritance.

Allele frequency attached by ClinVar (database versions not stated): gnomAD exomes below 0.00001.
gnomAD v4.1: 1 of 1,613,898 alleles (0.000062%); highest among the groups gnomAD compares: Non-Finnish European, 0.000085%; no homozygotes.

Submissions (2):

Ambry Genetics
Classification: Uncertain significance for Cardiovascular phenotype. Last evaluated: 2023-04-16. Review status: criteria provided, single submitter. Criteria: Ambry Variant Classification Scheme 2023. Collection method: clinical testing. Allele origin: germline.
Comment: The p.A247G variant (also known as c.740C>G), located in coding exon 7 of the AKAP9 gene, results from a C to G substitution at nucleotide position 740. The alanine at codon 247 is replaced by glycine, an amino acid with similar properties. This amino acid position is conserved. In addition, this alteration is predicted to be tolerated by in silico analysis. Since supporting evidence is limited at this time, the clinical significance of this alteration remains unclear.

Labcorp Genetics (formerly Invitae), Labcorp
Classification: Uncertain significance for Long QT syndrome. Last evaluated: 2022-07-25. Review status: criteria provided, single submitter. Criteria: Invitae Variant Classification Sherloc (09022015). Collection method: clinical testing. Allele origin: germline.
Comment: In summary, the available evidence is currently insufficient to determine the role of this variant in disease. Therefore, it has been classified as a Variant of Uncertain Significance. Algorithms developed to predict the effect of missense changes on protein structure and function are either unavailable or do not agree on the potential impact of this missense change (SIFT: "Deleterious"; PolyPhen-2: "Probably Damaging"; Align-GVGD: "Class C0"). This variant has not been reported in the literature in individuals affected with AKAP9-related conditions. This variant is not present in population databases (gnomAD no frequency). This sequence change replaces alanine, which is neutral and non-polar, with glycine, which is neutral and non-polar, at codon 247 of the AKAP9 protein (p.Ala247Gly).

NM_005751.5(AKAP9):c.740C>G (p.Ala247Gly)

Genes: AKAP9 (A-kinase anchoring protein 9; plus strand), LOC129998789 (ATAC-STARR-seq lymphoblastoid silent region 18366; plus strand). Cytogenetic location: 7q21.2.
Variant type: single nucleotide variant.
Coding change: c.740C>G on transcript NM_005751.5 (MANE Select); coding-DNA position 740, C replaced by G.
Protein change: p.Ala247Gly; replaces alanine 247 with glycine.
Molecular consequence: missense variant.
Genome position (GRCh38, 1-based): chr7:91,995,610, C>G. VCF-style: chr7-91995610-C-G. GRCh37 (hg19) VCF-style: chr7-91624924-C-G.
Other names: c.740C>G, p.Ala247Gly (NM_147185.3); short protein forms A247G.
Identifiers: ClinVar variation 1720718 (VCV001720718.7), dbSNP rs571425127, ClinGen allele CA368120112.